The following is an entry in ClinVar:

NM_021008.4(DEAF1):c.1132G>A (p.Glu378Lys)

Gene: DEAF1 (DEAF1 transcription factor; minus strand). Cytogenetic location: 11p15.5.
Variant type: single nucleotide variant.
Coding change: c.1132G>A on transcript NM_021008.4 (MANE Select); coding-DNA position 1132, G replaced by A.
Protein change: p.Glu378Lys; replaces glutamic acid 378 with lysine.
Molecular consequence: missense variant. On other transcripts: intron variant (1).
Genome position (GRCh38, 1-based): chr11:678,817, C>T on the plus strand (G>A on the coding strand, the complement: DEAF1 is on the minus strand). VCF-style: chr11-678817-C-T. GRCh37 (hg19) VCF-style: chr11-678817-C-T.
Other names: c.865G>A, p.Glu289Lys (NM_001293634.2); c.406G>A, p.Glu136Lys (NM_001367390.1, NM_001440885.1, NM_001440886.1 and 1 more transcripts); c.1132G>A, p.Glu378Lys (NM_001440883.1); c.1126+871G>A (NM_001440884.1); short protein forms E136K, E289K, E378K.
Identifiers: ClinVar variation 4746220 (VCV004746220.1).

ClinVar aggregate classification (germline): Uncertain significance (1 of 4 stars; one submission).

Submission:

Labcorp Genetics (formerly Invitae), Labcorp
Classification: Uncertain significance. Last evaluated: 2026-01-21. Review status: criteria provided, single submitter. Criteria: Invitae Variant Classification Sherloc (09022015). Collection method: clinical testing. Allele origin: germline.
Comment: This sequence change replaces glutamic acid, which is acidic and polar, with lysine, which is basic and polar, at codon 378 of the DEAF1 protein (p.Glu378Lys). This variant is not present in population databases (gnomAD no frequency). This variant has not been reported in the literature in individuals affected with DEAF1-related conditions. Invitae Evidence Modeling of protein sequence and biophysical properties (such as structural, functional, and spatial information, amino acid conservation, physicochemical variation, residue mobility, and thermodynamic stability) indicates that this missense variant is not expected to disrupt DEAF1 protein function with a negative predictive value of 95%. In summary, the available evidence is currently insufficient to determine the role of this variant in disease. Therefore, it has been classified as a Variant of Uncertain Significance.